The following is an entry in ClinVar:

ClinVar aggregate classification (germline): Uncertain significance (1 of 4 stars; one submission).

Conditions:
Mitochondrial hypertrophic cardiomyopathy with lactic acidosis due to MTO1 deficiency. Also called: CARDIOMYOPATHY, INFANTILE HYPERTROPHIC MITOCHONDRIAL, AND LACTIC ACIDOSIS; Combined oxidative phosphorylation deficiency 10. Identifiers: Orphanet 314637, MedGen C4749921, MONDO:0013865, OMIM 614702.

Submission:

Labcorp Genetics (formerly Invitae), Labcorp
Classification: Uncertain significance for Mitochondrial hypertrophic cardiomyopathy with lactic acidosis due to MTO1 deficiency. Last evaluated: 2022-10-17. Review status: criteria provided, single submitter. Criteria: Invitae Variant Classification Sherloc (09022015). Collection method: clinical testing. Allele origin: germline.
Comment: This sequence change replaces methionine, which is neutral and non-polar, with leucine, which is neutral and non-polar, at codon 200 of the MTO1 protein (p.Met200Leu). This variant is not present in population databases (gnomAD no frequency). This variant has not been reported in the literature in individuals affected with MTO1-related conditions. Advanced modeling of protein sequence and biophysical properties (such as structural, functional, and spatial information, amino acid conservation, physicochemical variation, residue mobility, and thermodynamic stability) performed at Invitae indicates that this missense variant is not expected to disrupt MTO1 protein function. In summary, the available evidence is currently insufficient to determine the role of this variant in disease. Therefore, it has been classified as a Variant of Uncertain Significance.

NM_012123.4(MTO1):c.598A>C (p.Met200Leu)

Gene: MTO1 (mitochondrial tRNA translation optimization 1; plus strand). Cytogenetic location: 6q13.
Variant type: single nucleotide variant.
Coding change: c.598A>C on transcript NM_012123.4 (MANE Select); coding-DNA position 598, A replaced by C.
Protein change: p.Met200Leu; replaces methionine 200 with leucine.
Molecular consequence: missense variant.
Genome position (GRCh38, 1-based): chr6:73,473,427, A>C. VCF-style: chr6-73473427-A-C. GRCh37 (hg19) VCF-style: chr6-74183150-A-C.
Other names: c.598A>C, p.Met200Leu (NM_001123226.2, NM_133645.3); short protein forms M200L.
Identifiers: ClinVar variation 1915655 (VCV001915655.2), dbSNP rs773351511, ClinGen allele CA364713438.